The following is an entry in ClinVar:

NM_001009999.3(KDM1A):c.1374A>G (p.Ile458Met)

Gene: KDM1A (lysine demethylase 1A; plus strand). Cytogenetic location: 1p36.12.
Variant type: single nucleotide variant.
Coding change: c.1374A>G on transcript NM_001009999.3 (MANE Select); coding-DNA position 1374, A replaced by G.
Protein change: p.Ile458Met; replaces isoleucine 458 with methionine.
Molecular consequence: missense variant.
Genome position (GRCh38, 1-based): chr1:23,069,112, A>G. VCF-style: chr1-23069112-A-G. GRCh37 (hg19) VCF-style: chr1-23395605-A-G.
Other names: c.1302A>G, p.Ile434Met (NM_001410763.1, NM_015013.4, NM_001363654.2); c.1362A>G, p.Ile454Met (NM_001410762.1); c.1374A>G (NM_001009999.2); short protein forms I434M, I458M, I454M.
Identifiers: ClinVar variation 2030775 (VCV002030775.5), dbSNP rs1643234397, ClinGen allele CA338967940.

ClinVar aggregate classification (germline): Uncertain significance. Review status: criteria provided, multiple submitters, no conflicts (2 of 4 stars). 2 submissions from 2 submitters: Uncertain significance (2). Last evaluated 2025-08-01.

Conditions:
Inborn genetic diseases. Identifiers: MedGen C0950123, MeSH D030342.

Submissions (2):

Ambry Genetics
Classification: Uncertain significance for Inborn genetic diseases. Last evaluated: 2025-08-01. Review status: criteria provided, single submitter. Criteria: Ambry Variant Classification Scheme 2023. Collection method: clinical testing. Allele origin: germline.
Comment: The p.I458M variant (also known as c.1374A>G), located in coding exon 12 of the KDM1A gene, results from an A to G substitution at nucleotide position 1374. The isoleucine at codon 458 is replaced by methionine, an amino acid with highly similar properties. This amino acid position is conserved. In addition, the in silico prediction for this alteration is inconclusive. Based on the available evidence, the clinical significance of this variant remains unclear.

Labcorp Genetics (formerly Invitae), Labcorp
Classification: Uncertain significance. Last evaluated: 2022-09-24. Review status: criteria provided, single submitter. Criteria: Invitae Variant Classification Sherloc (09022015). Collection method: clinical testing. Allele origin: germline.
Comment: This sequence change replaces isoleucine, which is neutral and non-polar, with methionine, which is neutral and non-polar, at codon 458 of the KDM1A protein (p.Ile458Met). This variant is not present in population databases (gnomAD no frequency). This variant has not been reported in the literature in individuals affected with KDM1A-related conditions. Advanced modeling of protein sequence and biophysical properties (such as structural, functional, and spatial information, amino acid conservation, physicochemical variation, residue mobility, and thermodynamic stability) performed at Invitae indicates that this missense variant is not expected to disrupt KDM1A protein function. In summary, the available evidence is currently insufficient to determine the role of this variant in disease. Therefore, it has been classified as a Variant of Uncertain Significance.